The following is an entry in ClinVar:

ClinVar aggregate classification (germline): Uncertain significance (1 of 4 stars; one submission).

Submission:

Labcorp Genetics (formerly Invitae), Labcorp
Classification: Uncertain significance. Last evaluated: 2021-11-29. Review status: criteria provided, single submitter. Criteria: Invitae Variant Classification Sherloc (09022015). Collection method: clinical testing. Allele origin: germline.
Comment: In summary, the available evidence is currently insufficient to determine the role of this variant in disease. Therefore, it has been classified as a Variant of Uncertain Significance. This variant has not been reported in the literature in individuals affected with KIF20A-related conditions. This variant is not present in population databases (gnomAD no frequency). This sequence change creates a premature translational stop signal (p.Phe472Leufs*21) in the KIF20A gene. It is expected to result in an absent or disrupted protein product. However, the current clinical and genetic evidence is not sufficient to establish whether loss-of-function variants in KIF20A cause disease.

NM_005733.3(KIF20A):c.1412dup (p.Phe472fs)

Gene: KIF20A (kinesin family member 20A; plus strand). Cytogenetic location: 5q31.2.
Variant type: Duplication.
Coding change: c.1412dup on transcript NM_005733.3 (MANE Select); coding-DNA position 1412, one base duplicated (T; older notation c.1412dupT).
Protein change: p.Phe472fs; shifts the reading frame from phenylalanine 472.
Molecular consequence: frameshift variant.
Genome position (GRCh38, 1-based): chr5:138,184,298, T duplicated; the last of 3 consecutive T bases (chr5:138,184,296-138,184,298); duplicating any one gives the same sequence. VCF-style (leftmost placement, unchanged base first): chr5-138184295-G-GT. GRCh37 (hg19) VCF-style: chr5-137519984-G-GT.
Other names: short protein forms F472fs.
Identifiers: ClinVar variation 1481378 (VCV001481378.6), dbSNP rs2151233401, ClinGen allele CA2573139056.
Genomic context (GRCh38, chr5:138,184,295, plus strand): 5'-CCAGGTCAAAGCAGAACCTGGTTCCCTTCCGTGACAGCAAGTTGACTCGAGTGTTCCAAG[G>GT]TTTCTTCACAGGCCGAGGCCGTTCCTGCATGATTGTCAATGTGAATCCCTGTGCATCTAC-3'